The following is an entry in ClinVar:

ClinVar aggregate classification (germline): Uncertain significance (1 of 4 stars; one submission).

Conditions:
Dilated cardiomyopathy 1O (CMD1O). Also called: CARDIOMYOPATHY, DILATED, WITH VENTRICULAR TACHYCARDIA. Identifiers: Orphanet 154, MedGen C1837839, MONDO:0012062, OMIM 608569.

Allele frequency attached by ClinVar (database versions not stated): gnomAD exomes below 0.00001.
gnomAD v4.1: 1 of 1,612,080 alleles (0.000062%); highest among the groups gnomAD compares: Admixed American, 0.0017%; no homozygotes.

Submission:

Labcorp Genetics (formerly Invitae), Labcorp
Classification: Uncertain significance for Dilated cardiomyopathy 1O. Last evaluated: 2022-07-26. Review status: criteria provided, single submitter. Criteria: Invitae Variant Classification Sherloc (09022015). Collection method: clinical testing. Allele origin: germline.
Comment: This sequence change replaces tyrosine, which is neutral and polar, with cysteine, which is neutral and slightly polar, at codon 193 of the ABCC9 protein (p.Tyr193Cys). This variant is not present in population databases (gnomAD no frequency). This variant has not been reported in the literature in individuals affected with ABCC9-related conditions. ClinVar contains an entry for this variant (Variation ID: 952305). Algorithms developed to predict the effect of missense changes on protein structure and function are either unavailable or do not agree on the potential impact of this missense change (SIFT: "Deleterious"; PolyPhen-2: "Benign"; Align-GVGD: "Class C0"). In summary, the available evidence is currently insufficient to determine the role of this variant in disease. Therefore, it has been classified as a Variant of Uncertain Significance.

NM_020297.4(ABCC9):c.578A>G (p.Tyr193Cys)

Gene: ABCC9 (ATP binding cassette subfamily C member 9; minus strand). Cytogenetic location: 12p12.1.
Variant type: single nucleotide variant.
Coding change: c.578A>G on transcript NM_020297.4 (MANE Select); coding-DNA position 578, A replaced by G.
Protein change: p.Tyr193Cys; replaces tyrosine 193 with cysteine.
Molecular consequence: missense variant. On other transcripts: intron variant (1).
Genome position (GRCh38, 1-based): chr12:21,915,906, T>C on the plus strand (A>G on the coding strand, the complement: ABCC9 is on the minus strand). VCF-style: chr12-21915906-T-C. GRCh37 (hg19) VCF-style: chr12-22068840-T-C.
Other names: c.578A>G, p.Tyr193Cys (NM_001377273.1, NM_005691.4); c.-48-2840A>G (NM_001377274.1); short protein forms Y193C.
Identifiers: ClinVar variation 952305 (VCV000952305.9), dbSNP rs1948583615, ClinGen allele CA384125046.